The following is an entry in ClinVar:

NM_004958.4(MTOR):c.3214C>T (p.Pro1072Ser)

Gene: MTOR (mechanistic target of rapamycin kinase; minus strand). Cytogenetic location: 1p36.22.
Variant type: single nucleotide variant.
Coding change: c.3214C>T on transcript NM_004958.4 (MANE Select); coding-DNA position 3214, C replaced by T.
Protein change: p.Pro1072Ser; replaces proline 1072 with serine.
Molecular consequence: missense variant.
Genome position (GRCh38, 1-based): chr1:11,213,470, G>A on the plus strand (C>T on the coding strand, the complement: MTOR is on the minus strand). VCF-style: chr1-11213470-G-A. GRCh37 (hg19) VCF-style: chr1-11273527-G-A.
Other names: short protein forms P1072S.
Identifiers: ClinVar variation 842257 (VCV000842257.9), dbSNP rs1646373876, ClinGen allele CA338374868.
Genomic context (GRCh38, chr1:11,213,470, plus strand): 5'-CAATGCGGCCTGGGCTGTTGTCATGCATGAAGACACGCAGCATGTGTGGGATCAGCTGGG[G>A]CAGGTAGAGCTTAAATTCACCCCCAAGAGCTACCACAATTTGCTCAATGAGAAGAATGAT-3'
Protein context (NP_004949.1, residues 1062-1082): ALGGEFKLYL[Pro1072Ser]QLIPHMLRVF

ClinVar aggregate classification (germline): Uncertain significance (1 of 4 stars; one submission).

Submission:

Labcorp Genetics (formerly Invitae), Labcorp
Classification: Uncertain significance. Last evaluated: 2022-07-12. Review status: criteria provided, single submitter. Criteria: Invitae Variant Classification Sherloc (09022015). Collection method: clinical testing. Allele origin: germline.
Comment: In summary, the available evidence is currently insufficient to determine the role of this variant in disease. Therefore, it has been classified as a Variant of Uncertain Significance. Advanced modeling of protein sequence and biophysical properties (such as structural, functional, and spatial information, amino acid conservation, physicochemical variation, residue mobility, and thermodynamic stability) performed at Invitae indicates that this missense variant is expected to disrupt MTOR protein function. ClinVar contains an entry for this variant (Variation ID: 842257). This variant has not been reported in the literature in individuals affected with MTOR-related conditions. This variant is not present in population databases (gnomAD no frequency). This sequence change replaces proline, which is neutral and non-polar, with serine, which is neutral and polar, at codon 1072 of the MTOR protein (p.Pro1072Ser).